The following is an entry in ClinVar:

NM_000059.4(BRCA2):c.6747C>T (p.Ala2249=)

Gene: BRCA2 (BRCA2 DNA repair associated; plus strand). Cytogenetic location: 13q13.1.
Variant type: single nucleotide variant.
Coding change: c.6747C>T on transcript NM_000059.4 (MANE Select); coding-DNA position 6747, C replaced by T.
Protein change: p.Ala2249=; no amino-acid change (alanine 2249 retained).
Molecular consequence: synonymous variant.
Genome position (GRCh38, 1-based): chr13:32,341,102, C>T. VCF-style: chr13-32341102-C-T. GRCh37 (hg19) VCF-style: chr13-32915239-C-T.
Identifiers: ClinVar variation 184327 (VCV000184327.24), dbSNP rs786201405, ClinGen allele CA024371.

ClinVar aggregate classification (germline): Likely benign. Review status: reviewed by expert panel (3 of 4 stars). 6 submissions from 6 submitters: Likely benign (1). 5 of the submissions do not count toward it. Last evaluated 2017-06-29.

Conditions:
Hereditary cancer-predisposing syndrome. Also called: Tumor predisposition; Neoplastic Syndromes, Hereditary; Hereditary neoplastic syndrome; Hereditary Cancer Syndrome. Identifiers: Orphanet 140162, MedGen C0027672, MeSH D009386, MONDO:0015356.
Hereditary breast ovarian cancer syndrome. Also called: Hereditary breast and ovarian cancer syndrome; Hereditary breast and ovarian cancer syndrome (HBOC); Hereditary breast and ovarian cancer; Breast and ovarian cancer; BRCA1- and BRCA2-Associated Hereditary Breast and Ovarian Cancer; Hereditary breast and/or ovarian cancer syndrome. Identifiers: Orphanet 145, MedGen C0677776, MeSH D061325, MONDO:0003582. Disease mechanism: loss of function.
Breast-ovarian cancer, familial, susceptibility to, 2 (BROVCA2). Also called: BRCA2 Hereditary Breast and Ovarian Cancer. Identifiers: Orphanet 145, MedGen C2675520, MONDO:0012933, OMIM 612555. Disease mechanism: loss of function.

Submissions (6):

Evidence-based Network for the Interpretation of Germline Mutant Alleles (ENIGMA)
Classification: Likely benign for Breast-ovarian cancer, familial, susceptibility to, 2. Last evaluated: 2017-06-29. Review status: reviewed by expert panel. Criteria: ENIGMA BRCA1/2 Classification Criteria (2017-06-29). Collection method: curation. Allele origin: germline.
Comment: Synonymous substitution variant, with low bioinformatic likelihood to result in a splicing aberration (Splicing prior probability 0.02).

Labcorp Genetics (formerly Invitae), Labcorp
Classification: Likely benign for Hereditary breast ovarian cancer syndrome. Last evaluated: 2025-08-18. Review status: criteria provided, single submitter. Criteria: Invitae Variant Classification Sherloc (09022015). Collection method: clinical testing. Allele origin: germline. Not counted in ClinVar's aggregate classification.

Center for Genomic Medicine, Rigshospitalet, Copenhagen University Hospital
Classification: Likely benign. Last evaluated: 2025-03-04. Review status: criteria provided, single submitter. Criteria: ACMG Guidelines, 2015. Collection method: clinical testing. Allele origin: germline. Not counted in ClinVar's aggregate classification.

Ambry Genetics
Classification: Likely benign for Hereditary cancer-predisposing syndrome. Last evaluated: 2021-07-26. Review status: criteria provided, single submitter. Criteria: Ambry Variant Classification Scheme 2023. Collection method: clinical testing. Allele origin: germline. Not counted in ClinVar's aggregate classification.

Blueprint Genetics
Classification: Likely benign. Last evaluated: 2020-02-18. Review status: criteria provided, single submitter. Criteria: ACMG Guidelines, 2015. Collection method: clinical testing. Allele origin: germline. Not counted in ClinVar's aggregate classification.

Color Diagnostics, LLC DBA Color Health
Classification: Likely benign for Hereditary cancer-predisposing syndrome. Last evaluated: 2018-09-23. Review status: criteria provided, single submitter. Criteria: ACMG Guidelines, 2015. Collection method: clinical testing. Allele origin: germline. Not counted in ClinVar's aggregate classification.